The following is an entry in ClinVar:

NM_152269.5(MTRFR):c.248del (p.Val83fs)

Gene: MTRFR (mitochondrial translation release factor in rescue; plus strand). Cytogenetic location: 12q24.31.
Variant type: Deletion.
Coding change: c.248del on transcript NM_152269.5 (MANE Select); coding-DNA position 248, one base deleted (T; older notation c.248delT).
Protein change: p.Val83fs; shifts the reading frame from valine 83.
Molecular consequence: frameshift variant.
Genome position (GRCh38, 1-based): chr12:123,253,922, T deleted. VCF-style (leftmost placement, unchanged base first): chr12-123253921-GT-G. GRCh37 (hg19) VCF-style: chr12-123738468-GT-G.
Other names: MTRFR, 1-BP DEL, 248T; c.248del, p.Val83fs (NM_001143905.2, NM_001194995.1); c.248delT (NM_001143905.2); short protein forms V83fs.
Identifiers: ClinVar variation 53 (VCV000000053.12), dbSNP rs587776508, ClinGen allele CA113824.

ClinVar aggregate classification (germline): Pathogenic/Likely pathogenic. Review status: criteria provided, multiple submitters, no conflicts (2 of 4 stars). 8 submissions from 8 submitters: Pathogenic (4); Likely pathogenic (2). 2 of the submissions do not count toward it. Last evaluated 2026-02-03.

Conditions:
MTRFR-related disorder. Also called: MTRFR-related condition.
Spastic paraplegia. Identifiers: MedGen C0037772, HP:0001258.
Combined oxidative phosphorylation defect type 7. Identifiers: Orphanet 254930, MedGen C3150801, MONDO:0013306, OMIM 613559.
Hereditary spastic paraplegia 55. Also called: Spastic paraplegia 55, autosomal recessive. Identifiers: Orphanet 320375, MedGen C3539506, MONDO:0014020, OMIM 615035.
Epileptic encephalopathy. Identifiers: MedGen C0543888, HP:0200134.
Abnormal brain morphology. Also called: Abnormality of brain morphology. Identifiers: MedGen C4021085, HP:0012443.

Allele frequency attached by ClinVar (database versions not stated): gnomAD exomes below 0.00001; TOPMed below 0.00001.

Submissions (8):

PreventionGenetics, part of Exact Sciences
Classification: Pathogenic for MTRFR-related condition. Last evaluated: 2026-02-03. Review status: criteria provided, single submitter. Criteria: ACMG Guidelines, 2015. Collection method: clinical testing. Allele origin: germline.
Comment: The MTRFR c.248delT variant is predicted to result in a frameshift and premature protein termination (p.Val83Glyfs*2). This variant has been reported in the homozygous state in an individual with Leigh syndrome, optic atrophy & ophthalmoplegia (Antonicka et al. 2010. PubMed ID: 20598281). It has also been seen in the homozygous state in an individual with spastic paraplegia and esotropia and segregates with disease (Karaca et al. 2018. PubMed ID: 29790871). This variant is reported in 0.00088% of alleles in individuals of European (non-Finnish) descent in gnomAD. Frameshift variants in MTRFR are expected to be pathogenic. This variant is interpreted as pathogenic.

Labcorp Genetics (formerly Invitae), Labcorp
Classification: Pathogenic for Combined oxidative phosphorylation defect type 7; Spastic paraplegia. Last evaluated: 2025-11-11. Review status: criteria provided, single submitter. Criteria: Invitae Variant Classification Sherloc (09022015). Collection method: clinical testing. Allele origin: germline.
Comment: This sequence change creates a premature translational stop signal (p.Val83Glyfs*2) in the C12orf65 gene. While this is not anticipated to result in nonsense mediated decay, it is expected to disrupt the last 84 amino acid(s) of the C12orf65 protein. This variant is present in population databases (no rsID available, gnomAD 0.0009%). This premature translational stop signal has been observed in individual(s) with clinical features of C12orf65-related conditions (PMID: 32581362, 37541188). ClinVar contains an entry for this variant (Variation ID: 53). Algorithms developed to predict the effect of sequence changes on RNA splicing suggest that this variant may disrupt the consensus splice site. This variant disrupts a region of the C12orf65 protein in which other variant(s) (p.Lys138Argfs*17) have been determined to be pathogenic (PMID: 24424123). This suggests that this is a clinically significant region of the protein, and that variants that disrupt it are likely to be disease-causing. For these reasons, this variant has been classified as Pathogenic.

Genomic Medicine Center of Excellence, King Faisal Specialist Hospital and Research Centre
Classification: Pathogenic for Combined oxidative phosphorylation defect type 7. Last evaluated: 2024-09-22. Review status: criteria provided, single submitter. Criteria: ACMG Guidelines, 2015. Collection method: clinical testing. Allele origin: germline.

Institute of Human Genetics, University of Leipzig Medical Center
Classification: Likely pathogenic for Combined oxidative phosphorylation defect type 7. Last evaluated: 2021-01-06. Review status: criteria provided, single submitter. Criteria: ACMG Guidelines, 2015. Collection method: clinical testing. Allele origin: inherited. Inheritance: Autosomal recessive inheritance. Affected: yes.
Comment: Criteria applied: PVS1 _STR, PS4_SUP, PM2_SUP, PM3_SUP

Baylor Genetics
Classification: Pathogenic for Hereditary spastic paraplegia 55. Last evaluated: 2017-09-01. Review status: criteria provided, single submitter. Criteria: ACMG Guidelines, 2015. Collection method: clinical testing. Allele origin: germline. Inheritance: Autosomal recessive inheritance. Affected: yes.

Lupski Lab, Baylor-Hopkins CMG, Baylor College of Medicine
Classification: Likely pathogenic for Abnormal brain morphology. Review status: criteria provided, single submitter. Criteria: Karaca et al. (Neuron 2015). Collection method: research. Allele origin: inherited. Inheritance: Autosomal recessive inheritance. Affected: yes.

OMIM
Classification: Pathogenic for COMBINED OXIDATIVE PHOSPHORYLATION DEFICIENCY 7. Last evaluated: 2010-07-09. Review status: no assertion criteria provided. Collection method: literature only. Allele origin: germline. Not counted in ClinVar's aggregate classification.

NIHR Bioresource Rare Diseases, University of Cambridge
Classification: Likely pathogenic for Epileptic encephalopathy. Review status: no assertion criteria provided. Collection method: research. Allele origin: unknown. Affected: yes. Observed: 1 variant allele. Not counted in ClinVar's aggregate classification.

Literature cited by the submitters: PubMed 32581362 (cited by Labcorp Genetics (formerly Invitae), Labcorp and NIHR Bioresource Rare Diseases, University of Cambridge); PubMed 37541188 (cited by Labcorp Genetics (formerly Invitae), Labcorp); PubMed 24424123 (cited by Labcorp Genetics (formerly Invitae), Labcorp); PubMed 20598281 (cited by Baylor Genetics and OMIM); PubMed 25326635 (cited by Baylor Genetics).